The following is an entry in ClinVar:

ClinVar aggregate classification (germline): Uncertain significance. Review status: criteria provided, multiple submitters, no conflicts (2 of 4 stars). 2 submissions from 2 submitters: Uncertain significance (2). Last evaluated 2026-07-27.

Conditions:
Hereditary cancer-predisposing syndrome. Also called: Hereditary neoplastic syndrome; Neoplastic Syndromes, Hereditary; Tumor predisposition; Hereditary Cancer Syndrome. Identifiers: Orphanet 140162, MedGen C0027672, MeSH D009386, MONDO:0015356.
Hereditary nonpolyposis colorectal neoplasms. Identifiers: MedGen C0009405, MeSH D003123.

Submissions (2):

Ambry Genetics
Classification: Uncertain significance for Hereditary cancer-predisposing syndrome. Last evaluated: 2026-07-27. Review status: criteria provided, single submitter. Criteria: Ambry Variant Classification Scheme 2023. Collection method: clinical testing. Allele origin: germline.
Comment: The p.R974S variant (also known as c.2922G>C), located in coding exon 4 of the MSH6 gene, results from a G to C substitution at nucleotide position 2922. The arginine at codon 974 is replaced by serine, an amino acid with dissimilar properties. This amino acid position is conserved. In addition, the in silico prediction for this alteration is inconclusive. Based on the available evidence, the clinical significance of this variant remains unclear.

Labcorp Genetics (formerly Invitae), Labcorp
Classification: Uncertain significance for Hereditary nonpolyposis colorectal neoplasms. Last evaluated: 2022-04-07. Review status: criteria provided, single submitter. Criteria: Invitae Variant Classification Sherloc (09022015). Collection method: clinical testing. Allele origin: germline.
Comment: This sequence change replaces arginine, which is basic and polar, with serine, which is neutral and polar, at codon 974 of the MSH6 protein (p.Arg974Ser). This variant is not present in population databases (gnomAD no frequency). This variant has not been reported in the literature in individuals affected with MSH6-related conditions. Algorithms developed to predict the effect of missense changes on protein structure and function are either unavailable or do not agree on the potential impact of this missense change (SIFT: "Deleterious"; PolyPhen-2: "Possibly Damaging"; Align-GVGD: "Class C0"). In summary, the available evidence is currently insufficient to determine the role of this variant in disease. Therefore, it has been classified as a Variant of Uncertain Significance.

NM_000179.3(MSH6):c.2922G>C (p.Arg974Ser)

Gene: MSH6 (mutS homolog 6; plus strand). Cytogenetic location: 2p16.3.
Variant type: single nucleotide variant.
Coding change: c.2922G>C on transcript NM_000179.3 (MANE Select); coding-DNA position 2922, G replaced by C.
Protein change: p.Arg974Ser; replaces arginine 974 with serine.
Molecular consequence: missense variant.
Genome position (GRCh38, 1-based): chr2:47,800,905, G>C. VCF-style: chr2-47800905-G-C. GRCh37 (hg19) VCF-style: chr2-48028044-G-C.
Other names: c.2844G>C, p.Arg948Ser (NM_001406804.1); c.2625G>C, p.Arg875Ser (NM_001406805.1, NM_001406797.1, NM_001406801.1 and 10 more transcripts); c.2397G>C, p.Arg799Ser (NM_001406806.1, NM_001406807.1, NM_001406799.1); c.2922G>C, p.Arg974Ser (NM_001406808.1, NM_001406809.1, NM_001406796.1 and 2 more transcripts); c.2016G>C, p.Arg672Ser (NM_001406811.1, NM_001406812.1, NM_001406814.1 and 6 more transcripts); c.2928G>C, p.Arg976Ser (NM_001406813.1); c.2532G>C, p.Arg844Ser (NM_001281492.2); c.3018G>C, p.Arg1006Ser (NM_001406795.1, NM_001406802.1); and 2 more; short protein forms R672S, R875S, R1006S, R799S, R974S, R844S, R948S, R976S.
Identifiers: ClinVar variation 1912178 (VCV001912178.6), dbSNP rs1553414289, ClinGen allele CA346756182.